The following is an entry in ClinVar:

NM_001384474.1(LOXHD1):c.1903C>A (p.Leu635Met)

Gene: LOXHD1 (lipoxygenase homology PLAT domains 1; minus strand). Cytogenetic location: 18q21.1.
Variant type: single nucleotide variant.
Coding change: c.1903C>A on transcript NM_001384474.1 (MANE Select); coding-DNA position 1903, C replaced by A.
Protein change: p.Leu635Met; replaces leucine 635 with methionine.
Molecular consequence: missense variant.
Genome position (GRCh38, 1-based): chr18:46,577,774, G>T on the plus strand (C>A on the coding strand, the complement: LOXHD1 is on the minus strand). VCF-style: chr18-46577774-G-T. GRCh37 (hg19) VCF-style: chr18-44157737-G-T.
Other names: c.1903C>A, p.Leu635Met (NM_144612.7); short protein forms L635M.
Identifiers: ClinVar variation 4048025 (VCV004048025.2).
Genomic context (GRCh38, chr18:46,577,774, plus strand): 5'-ATGGGAACTCCACGTTGTCGCTCTCAGGCTGCCCCTCCTCTCTCACCAGCACTCTGTCCA[G>T]GTACCAGCCGCTGCCGGAGCCTTTGCCATCGTGTCTGATCCTCACCCGCCTCACATTCCG-3'
Protein context (NP_001371403.1, residues 625-645): DGKGSGSGWY[Leu635Met]DRVLVREEGQ

ClinVar aggregate classification (germline): Uncertain significance. Review status: criteria provided, multiple submitters, no conflicts (2 of 4 stars). 2 submissions from 2 submitters: Uncertain significance (2). Last evaluated 2026-02-26.

Conditions:
LOXHD1-related disorder. Also called: LOXHD1-related condition.
Inborn genetic diseases. Identifiers: MedGen C0950123, MeSH D030342.

gnomAD v4.1: 19 of 1,551,558 alleles (0.0012%); highest among the groups gnomAD compares: Admixed American, 0.035%; no homozygotes.

Submissions (2):

PreventionGenetics, part of Exact Sciences
Classification: Uncertain significance for LOXHD1-related condition. Last evaluated: 2026-02-26. Review status: criteria provided, single submitter. Criteria: ACMG Guidelines, 2015. Collection method: clinical testing. Allele origin: germline.
Comment: The LOXHD1 c.1903C>A variant is predicted to result in the amino acid substitution p.Leu635Met. To our knowledge, this variant has not been reported in the literature. This variant is reported in 0.040% of alleles in individuals of Latino descent in gnomAD. At this time, the clinical significance of this variant is uncertain due to the absence of conclusive functional and genetic evidence.

Ambry Genetics
Classification: Uncertain significance for Inborn genetic diseases. Last evaluated: 2025-05-01. Review status: criteria provided, single submitter. Criteria: Ambry Variant Classification Scheme 2023. Collection method: clinical testing. Allele origin: germline.